The following is an entry in ClinVar:

ClinVar aggregate classification (germline): Likely benign (1 of 4 stars; one submission).

gnomAD v4.1: 1,092 of 985,860 alleles (0.11%); highest among the groups gnomAD compares: Middle Eastern, 0.84%; 2 homozygotes.

Submission:

CeGaT Center for Human Genetics Tuebingen
Classification: Likely benign. Last evaluated: 2026-02-01. Review status: criteria provided, single submitter. Criteria: CeGaT Center For Human Genetics Tuebingen Variant Classification Criteria Version 2. Collection method: clinical testing. Allele origin: germline. Affected: yes. Observed: 1 variant allele.
Comment: RBFOX1: BS1

NM_018723.4(RBFOX1):c.28-7863A>G

Gene: RBFOX1 (RNA binding fox-1 homolog 1; plus strand). Cytogenetic location: 16p13.3.
Variant type: single nucleotide variant.
Coding change: c.28-7863A>G on transcript NM_018723.4 (MANE Select); 7863 bases into the intron before coding-DNA position 28, A replaced by G.
Molecular consequence: intron variant. On other transcripts: missense variant (3).
Genome position (GRCh38, 1-based): chr16:7,510,284, A>G. VCF-style: chr16-7510284-A-G. GRCh37 (hg19) VCF-style: chr16-7560286-A-G.
Other names: c.5A>G, p.Glu2Gly (NM_001415917.1, NM_001415902.1, NM_001415911.1); c.625-7863A>G (NM_001415887.1, NM_001415888.1); c.28-7863A>G (NM_001364800.2, NM_001142333.2, NM_001415916.1 and 1 more transcripts); c.157-7863A>G (NM_001415895.1, NM_001415891.1, NM_001415907.1 and 5 more transcripts); c.136-7863A>G (NM_001415889.1, NM_001415898.1, NM_001415894.1 and 5 more transcripts); c.103-7863A>G (NM_001415890.1, NM_001415901.1, NM_001415899.1 and 4 more transcripts); c.88-7863A>G (NM_001415904.1, NM_001415896.1, NM_145893.3 and 4 more transcripts); short protein forms E2G.
Identifiers: ClinVar variation 4820976 (VCV004820976.4).